The following is an entry in ClinVar:

NM_007186.6(CEP250):c.4282C>T (p.Gln1428Ter)

Gene: CEP250 (centrosomal protein 250; plus strand). Cytogenetic location: 20q11.22.
Variant type: single nucleotide variant.
Coding change: c.4282C>T on transcript NM_007186.6 (MANE Select); coding-DNA position 4282, C replaced by T.
Protein change: p.Gln1428Ter; replaces glutamine 1428 with a stop codon.
Molecular consequence: nonsense.
Genome position (GRCh38, 1-based): chr20:35,502,651, C>T. VCF-style: chr20-35502651-C-T. GRCh37 (hg19) VCF-style: chr20-34090479-C-T.
Other names: c.2386C>T, p.Gln796Ter (NM_001318219.1); short protein forms Q796*, Q1428*.
Identifiers: ClinVar variation 3657658 (VCV003657658.2).

ClinVar aggregate classification (germline): Pathogenic (1 of 4 stars; one submission).

Submission:

Labcorp Genetics (formerly Invitae), Labcorp
Classification: Pathogenic. Last evaluated: 2024-06-24. Review status: criteria provided, single submitter. Criteria: Invitae Variant Classification Sherloc (09022015). Collection method: clinical testing. Allele origin: germline.
Comment: This sequence change creates a premature translational stop signal (p.Gln1428*) in the CEP250 gene. It is expected to result in an absent or disrupted protein product. Loss-of-function variants in CEP250 are known to be pathogenic (PMID: 24780881, 29718797). This variant is not present in population databases (gnomAD no frequency). This variant has not been reported in the literature in individuals affected with CEP250-related conditions. For these reasons, this variant has been classified as Pathogenic.

Literature cited by the submitters: PubMed 24780881; PubMed 29718797.